The following is an entry in ClinVar:

NM_000057.4(BLM):c.3445C>A (p.Leu1149Met)

Gene: BLM (BLM RecQ like helicase; plus strand). Cytogenetic location: 15q26.1.
Variant type: single nucleotide variant.
Coding change: c.3445C>A on transcript NM_000057.4 (MANE Select); coding-DNA position 3445, C replaced by A.
Protein change: p.Leu1149Met; replaces leucine 1149 with methionine.
Molecular consequence: missense variant. On other transcripts: intron variant (1).
Genome position (GRCh38, 1-based): chr15:90,803,607, C>A. VCF-style: chr15-90803607-C-A. GRCh37 (hg19) VCF-style: chr15-91346837-C-A.
Other names: c.3445C>A, p.Leu1149Met (NM_001287246.2); c.2320C>A, p.Leu774Met (NM_001287248.2); c.3358+5270C>A (NM_001287247.2); short protein forms L1149M, L774M.
Identifiers: ClinVar variation 3261045 (VCV003261045.1).

ClinVar aggregate classification (germline): Uncertain significance (1 of 4 stars; one submission).

Conditions:
Hereditary cancer-predisposing syndrome. Also called: Hereditary Cancer Syndrome; Tumor predisposition; Hereditary neoplastic syndrome; Neoplastic Syndromes, Hereditary. Identifiers: Orphanet 140162, MedGen C0027672, MeSH D009386, MONDO:0015356.

Submission:

Ambry Genetics
Classification: Uncertain significance for Hereditary cancer-predisposing syndrome. Last evaluated: 2024-05-26. Review status: criteria provided, single submitter. Criteria: Ambry Variant Classification Scheme 2023. Collection method: clinical testing. Allele origin: germline.
Comment: The p.L1149M variant (also known as c.3445C>A), located in coding exon 17 of the BLM gene, results from a C to A substitution at nucleotide position 3445. The leucine at codon 1149 is replaced by methionine, an amino acid with highly similar properties. This amino acid position is conserved. In addition, the in silico prediction for this alteration is inconclusive. Based on the available evidence, the clinical significance of this variant remains unclear.